The following is an entry in ClinVar:

ClinVar aggregate classification (germline): Uncertain significance (1 of 4 stars; one submission).

Conditions:
Gastrointestinal stromal tumor. Also called: Gastrointestinal stromal tumor, somatic; Gastrointestinal stroma tumor. Identifiers: Orphanet 44890, MedGen C0238198, MeSH D046152, MONDO:0011719, OMIM 606764, HP:0100723.

Submission:

Labcorp Genetics (formerly Invitae), Labcorp
Classification: Uncertain significance for Gastrointestinal stromal tumor. Last evaluated: 2024-03-11. Review status: criteria provided, single submitter. Criteria: Invitae Variant Classification Sherloc (09022015). Collection method: clinical testing. Allele origin: germline.
Comment: This sequence change replaces alanine, which is neutral and non-polar, with threonine, which is neutral and polar, at codon 396 of the PDGFRA protein (p.Ala396Thr). This variant is not present in population databases (gnomAD no frequency). This variant has not been reported in the literature in individuals affected with PDGFRA-related conditions. Advanced modeling of protein sequence and biophysical properties (such as structural, functional, and spatial information, amino acid conservation, physicochemical variation, residue mobility, and thermodynamic stability) performed at Invitae indicates that this missense variant is not expected to disrupt PDGFRA protein function with a negative predictive value of 80%. In summary, the available evidence is currently insufficient to determine the role of this variant in disease. Therefore, it has been classified as a Variant of Uncertain Significance.

NM_006206.6(PDGFRA):c.1186G>A (p.Ala396Thr)

Gene: PDGFRA (platelet derived growth factor receptor alpha; plus strand). Cytogenetic location: 4q12.
Variant type: single nucleotide variant.
Coding change: c.1186G>A on transcript NM_006206.6 (MANE Select); coding-DNA position 1186, G replaced by A.
Protein change: p.Ala396Thr; replaces alanine 396 with threonine.
Molecular consequence: missense variant.
Genome position (GRCh38, 1-based): chr4:54,270,697, G>A. VCF-style: chr4-54270697-G-A. GRCh37 (hg19) VCF-style: chr4-55136864-G-A.
Other names: c.1186G>A, p.Ala396Thr (NM_001347827.2, NM_001347829.2); c.1261G>A, p.Ala421Thr (NM_001347828.2); c.1225G>A, p.Ala409Thr (NM_001347830.2); short protein forms A396T, A409T, A421T.
Identifiers: ClinVar variation 3667329 (VCV003667329.2).